The following is an entry in ClinVar:

NM_002691.4(POLD1):c.1384-15C>T

Gene: POLD1 (DNA polymerase delta 1, catalytic subunit; plus strand). Cytogenetic location: 19q13.33.
Variant type: single nucleotide variant.
Coding change: c.1384-15C>T on transcript NM_002691.4 (MANE Select); 15 bases into the intron before coding-DNA position 1384, C replaced by T.
Molecular consequence: intron variant.
Genome position (GRCh38, 1-based): chr19:50,406,392, C>T. VCF-style: chr19-50406392-C-T. GRCh37 (hg19) VCF-style: chr19-50909649-C-T.
Other names: c.1384-15C>T (NM_001256849.1, NM_001308632.1).
Identifiers: ClinVar variation 1917318 (VCV001917318.6), dbSNP rs2122324980, ClinGen allele CA2580097622.

ClinVar aggregate classification (germline): Likely benign. Review status: criteria provided, multiple submitters, no conflicts (2 of 4 stars). 2 submissions from 2 submitters: Likely benign (2). Last evaluated 2025-04-17.

Conditions:
POLD1-related polyposis and colorectal cancer syndrome (CRCS10). Also called: Colorectal cancer 10; COLORECTAL CANCER, SUSCEPTIBILITY TO, ON CHROMOSOME 19q; Colorectal cancer, susceptibility to, 10. Identifiers: Orphanet 220460, MedGen C2675481, MONDO:0012953, OMIM 612591.

Submissions (2):

Labcorp Genetics (formerly Invitae), Labcorp
Classification: Likely benign for POLD1-related polyposis and colorectal cancer syndrome. Last evaluated: 2025-04-17. Review status: criteria provided, single submitter. Criteria: Invitae Variant Classification Sherloc (09022015). Collection method: clinical testing. Allele origin: germline.

Myriad Genetics, Inc.
Classification: Likely benign for POLD1-related polyposis and colorectal cancer syndrome. Last evaluated: 2025-02-06. Review status: criteria provided, single submitter. Criteria: Myriad Autosomal Dominant, Autosomal Recessive and X-Linked Classification Criteria (2023). Collection method: clinical testing. Allele origin: unknown.
Comment: This variant is considered likely benign. This variant is intronic and is not expected to impact mRNA splicing.